The following is an entry in ClinVar:

NM_005859.5(PURA):c.498C>T (p.Arg166=)

Gene: PURA (purine rich element binding protein A; plus strand). Cytogenetic location: 5q31.3.
Variant type: single nucleotide variant.
Coding change: c.498C>T on transcript NM_005859.5 (MANE Select); coding-DNA position 498, C replaced by T.
Protein change: p.Arg166=; no amino-acid change (arginine 166 retained).
Molecular consequence: synonymous variant.
Genome position (GRCh38, 1-based): chr5:140,114,679, C>T. VCF-style: chr5-140114679-C-T. GRCh37 (hg19) VCF-style: chr5-139494264-C-T.
Identifiers: ClinVar variation 3697906 (VCV003697906.2).

ClinVar aggregate classification (germline): Uncertain significance (1 of 4 stars; one submission).

Conditions:
PURA-related severe neonatal hypotonia-seizures-encephalopathy syndrome (NEDRIHF). Also called: PURA-Related Neurodevelopmental Disorders; NEURODEVELOPMENTAL DISORDER WITH NEONATAL RESPIRATORY INSUFFICIENCY, HYPOTONIA, AND FEEDING DIFFICULTIES. Identifiers: Orphanet 438213, Orphanet 438216, MedGen C4015357, MONDO:1060108, OMIM 616158, MONDO:0018580.

gnomAD v4.1: 2 of 1,612,164 alleles (0.00012%); highest among the groups gnomAD compares: Non-Finnish European, 0.00017%; no homozygotes.

Submission:

Labcorp Genetics (formerly Invitae), Labcorp
Classification: Uncertain significance for PURA-related severe neonatal hypotonia-seizures-encephalopathy syndrome. Last evaluated: 2024-05-29. Review status: criteria provided, single submitter. Criteria: Invitae Variant Classification Sherloc (09022015). Collection method: clinical testing. Allele origin: germline.
Comment: This sequence change affects codon 166 of the PURA mRNA. It is a 'silent' change, meaning that it does not change the encoded amino acid sequence of the PURA protein. This variant is present in population databases (rs752590766, gnomAD 0.0009%). This variant has not been reported in the literature in individuals affected with PURA-related conditions. In summary, the available evidence is currently insufficient to determine the role of this variant in disease. Therefore, it has been classified as a Variant of Uncertain Significance.